The following is an entry in ClinVar:

NM_014629.4(ARHGEF10):c.3209C>T (p.Thr1070Ile)

Gene: ARHGEF10 (Rho guanine nucleotide exchange factor 10; plus strand). Cytogenetic location: 8p23.3.
Variant type: single nucleotide variant.
Coding change: c.3209C>T on transcript NM_014629.4 (MANE Select); coding-DNA position 3209, C replaced by T.
Protein change: p.Thr1070Ile; replaces threonine 1070 with isoleucine.
Molecular consequence: missense variant.
Genome position (GRCh38, 1-based): chr8:1,933,929, C>T. VCF-style: chr8-1933929-C-T. GRCh37 (hg19) VCF-style: chr8-1882095-C-T.
Other names: c.3095C>T, p.Thr1032Ile (NM_001308152.2); c.3209C>T, p.Thr1070Ile (NM_001308153.3); short protein forms T1070I, T1032I, T1094I.
Identifiers: ClinVar variation 2071666 (VCV002071666.27), dbSNP rs1427932674, ClinGen allele CA369970728.

ClinVar aggregate classification (germline): Uncertain significance. Review status: criteria provided, multiple submitters, no conflicts (2 of 4 stars). 2 submissions from 2 submitters: Uncertain significance (2). Last evaluated 2023-11-01.

gnomAD v4.1: 2 of 1,614,162 alleles (0.00012%); highest among the groups gnomAD compares: Middle Eastern, 0.016%; no homozygotes.

Submissions (2):

CeGaT Center for Human Genetics Tuebingen
Classification: Uncertain significance. Last evaluated: 2023-11-01. Review status: criteria provided, single submitter. Criteria: CeGaT Center For Human Genetics Tuebingen Variant Classification Criteria Version 2. Collection method: clinical testing. Allele origin: germline. Affected: yes. Observed: 1 variant allele.

Labcorp Genetics (formerly Invitae), Labcorp
Classification: Uncertain significance. Last evaluated: 2022-07-15. Review status: criteria provided, single submitter. Criteria: Invitae Variant Classification Sherloc (09022015). Collection method: clinical testing. Allele origin: germline.
Comment: In summary, the available evidence is currently insufficient to determine the role of this variant in disease. Therefore, it has been classified as a Variant of Uncertain Significance. Algorithms developed to predict the effect of missense changes on protein structure and function are either unavailable or do not agree on the potential impact of this missense change (SIFT: "Deleterious"; PolyPhen-2: "Probably Damaging"; Align-GVGD: "Class C0"). This variant has not been reported in the literature in individuals affected with ARHGEF10-related conditions. This variant is present in population databases (no rsID available, gnomAD 0.0009%). This sequence change replaces threonine, which is neutral and polar, with isoleucine, which is neutral and non-polar, at codon 1070 of the ARHGEF10 protein (p.Thr1070Ile).